The following is an entry in ClinVar:

NM_024312.5(GNPTAB):c.1023A>G (p.Pro341=)

Gene: GNPTAB (N-acetylglucosamine-1-phosphate transferase subunits alpha and beta; minus strand). Cytogenetic location: 12q23.2.
Variant type: single nucleotide variant.
Coding change: c.1023A>G on transcript NM_024312.5 (MANE Select); coding-DNA position 1023, A replaced by G.
Protein change: p.Pro341=; no amino-acid change (proline 341 retained).
Molecular consequence: synonymous variant.
Genome position (GRCh38, 1-based): chr12:101,770,496, T>C on the plus strand (A>G on the coding strand, the complement: GNPTAB is on the minus strand). VCF-style: chr12-101770496-T-C. GRCh37 (hg19) VCF-style: chr12-102164274-T-C.
Identifiers: ClinVar variation 881224 (VCV000881224.11), dbSNP rs750876420, ClinGen allele CA6746731.
Genomic context (GRCh38, chr12:101,770,496, plus strand): 5'-GTCAAGGTTCAGCCAGGATGGAATCTGCCCGTTGGTGACAATGAAAATATTCCGAACCCA[T>C]GGTGCATGCCTCTCGATAGATCGCAATGAGTACCTCAGTTCTTCGTTATCTTCAAAACGA-3'
Protein context (NP_077288.2, residues 331-351): YSLRSIERHA[Pro341=]WVRNIFIVTN

ClinVar aggregate classification (germline): Conflicting classifications of pathogenicity. Review status: criteria provided, conflicting classifications (1 of 4 stars). 5 submissions from 4 submitters: Uncertain significance (2); Likely benign (2). 1 of the submissions does not count toward it. Last evaluated 2026-01-20.

Conditions:
Mucolipidosis type II. Also called: Mucolipidosis II Alpha/Beta; ML II ALPHA/BETA; Mucolipidosis 2; ML 2; Inclusion cell disease; Leroy Disease. Identifiers: Orphanet 576, MedGen C2673377, MONDO:0009650, OMIM 252500.
Pseudo-Hurler polydystrophy. Also called: MUCOLIPIDOSIS IIIA; ML III; ML III ALPHA/BETA; ML IIIA; Mucolipidosis III Alpha/Beta; Type III Mucolipidosis. Identifiers: Orphanet 423461, Orphanet 577, MedGen C0033788, MONDO:0018931, OMIM 252600.
GNPTAB-Related Disorders. Also called: GNPTAB-related disorder; GNPTAB-related condition. Identifiers: MedGen CN381523.

Allele frequency attached by ClinVar (database versions not stated): gnomAD exomes below 0.00001 and 0.00002; ExAC 0.00001; gnomAD 0.00002; TOPMed 0.00002.
gnomAD v4.1: 31 of 1,613,270 alleles (0.0019%); highest among the groups gnomAD compares: Non-Finnish European, 0.0023%; no homozygotes.

Submissions (5):

Labcorp Genetics (formerly Invitae), Labcorp
Classification: Likely benign for Pseudo-Hurler polydystrophy; Mucolipidosis type II. Last evaluated: 2026-01-20. Review status: criteria provided, single submitter. Criteria: Invitae Variant Classification Sherloc (09022015). Collection method: clinical testing. Allele origin: germline.

Blueprint Genetics
Classification: Likely benign. Last evaluated: 2024-11-01. Review status: criteria provided, single submitter. Criteria: ACMG Guidelines, 2015. Collection method: clinical testing. Allele origin: germline.

Illumina Laboratory Services, Illumina
Classification: Uncertain significance for Mucolipidosis type II. Last evaluated: 2018-01-12. Review status: criteria provided, single submitter. Criteria: ICSL Variant Classification Criteria 13 December 2019. Collection method: clinical testing. Allele origin: germline.

Illumina Laboratory Services, Illumina
Classification: Uncertain significance for Pseudo-Hurler polydystrophy. Last evaluated: 2018-01-12. Review status: criteria provided, single submitter. Criteria: ICSL Variant Classification Criteria 13 December 2019. Collection method: clinical testing. Allele origin: germline.

PreventionGenetics, part of Exact Sciences
Classification: Likely benign for GNPTAB-related condition. Last evaluated: 2019-11-08. Review status: no assertion criteria provided. Collection method: clinical testing. Allele origin: germline. Not counted in ClinVar's aggregate classification.
Comment: This variant is classified as likely benign based on ACMG/AMP sequence variant interpretation guidelines (Richards et al. 2015 PMID: 25741868, with internal and published modifications).